The following is an entry in ClinVar:

NM_001849.4(COL6A2):c.2397T>C (p.Asp799=)

Gene: COL6A2 (collagen type VI alpha 2 chain; plus strand). Cytogenetic location: 21q22.3.
Variant type: single nucleotide variant.
Coding change: c.2397T>C on transcript NM_001849.4 (MANE Select); coding-DNA position 2397, T replaced by C.
Protein change: p.Asp799=; no amino-acid change (aspartic acid 799 retained).
Molecular consequence: synonymous variant.
Genome position (GRCh38, 1-based): chr21:46,126,212, T>C. VCF-style: chr21-46126212-T-C. GRCh37 (hg19) VCF-style: chr21-47546126-T-C.
Other names: c.2397T>C, p.Asp799= (NM_058174.3, NM_058175.3).
Identifiers: ClinVar variation 498349 (VCV000498349.32), dbSNP rs754203636, ClinGen allele CA10072546.

ClinVar aggregate classification (germline): Conflicting classifications of pathogenicity. Review status: criteria provided, conflicting classifications (1 of 4 stars). 4 submissions from 4 submitters: Uncertain significance (1); Likely benign (3). Last evaluated 2025-03-27.

Conditions:
Bethlem myopathy 1A. Also called: MYOPATHY, BENIGN CONGENITAL, WITH CONTRACTURES; Bethlem Muscular Dystrophy; Bethlem myopathy 1. Identifiers: Orphanet 610, MedGen CN029274, MONDO:0024530, OMIM 158810.

Allele frequency attached by ClinVar (database versions not stated): gnomAD exomes below 0.00001 and 0.00001; TOPMed below 0.00001; ExAC 0.00001; gnomAD 0.00001.
gnomAD v4.1: 8 of 1,601,004 alleles (0.0005%); highest among the groups gnomAD compares: Non-Finnish European, 0.00059%; no homozygotes.

Submissions (4):

Labcorp Genetics (formerly Invitae), Labcorp
Classification: Likely benign for Bethlem myopathy 1A. Last evaluated: 2025-03-27. Review status: criteria provided, single submitter. Criteria: Invitae Variant Classification Sherloc (09022015). Collection method: clinical testing. Allele origin: germline.

Women's Health and Genetics/Laboratory Corporation of America, LabCorp
Classification: Likely benign. Last evaluated: 2023-12-07. Review status: criteria provided, single submitter. Criteria: LabCorp Variant Classification Summary - May 2015. Collection method: clinical testing. Allele origin: germline.

CeGaT Center for Human Genetics Tuebingen
Classification: Likely benign. Last evaluated: 2022-08-01. Review status: criteria provided, single submitter. Criteria: CeGaT Center For Human Genetics Tuebingen Variant Classification Criteria Version 2. Collection method: clinical testing. Allele origin: germline. Affected: yes. Observed: 1 variant allele.
Comment: COL6A2: BP4, BP7

Eurofins Ntd Llc (ga)
Classification: Uncertain significance. Last evaluated: 2016-11-23. Review status: criteria provided, single submitter. Criteria: EGL Classification Definitions 2015. Collection method: clinical testing. Allele origin: germline. Observed: 1 variant allele, 1 heterozygote.